The following is an entry in ClinVar:

ClinVar aggregate classification (germline): Uncertain significance (1 of 4 stars; one submission).

gnomAD v4.1: 2 of 1,613,870 alleles (0.00012%); highest among the groups gnomAD compares: African/African-American, 0.0013%; no homozygotes.

Submission:

Labcorp Genetics (formerly Invitae), Labcorp
Classification: Uncertain significance. Last evaluated: 2025-09-05. Review status: criteria provided, single submitter. Criteria: Invitae Variant Classification Sherloc (09022015). Collection method: clinical testing. Allele origin: germline.
Comment: This sequence change replaces glutamine, which is neutral and polar, with histidine, which is basic and polar, at codon 111 of the CDH23 protein (p.Gln111His). This variant is present in population databases (no rsID available, gnomAD 0.007%). This variant has not been reported in the literature in individuals affected with CDH23-related conditions. Invitae Evidence Modeling of protein sequence and biophysical properties (such as structural, functional, and spatial information, amino acid conservation, physicochemical variation, residue mobility, and thermodynamic stability) has been performed for this missense variant. However, the output from this modeling did not meet the statistical confidence thresholds required to predict the impact of this variant on CDH23 protein function. In summary, the available evidence is currently insufficient to determine the role of this variant in disease. Therefore, it has been classified as a Variant of Uncertain Significance.

NM_022124.6(CDH23):c.333G>C (p.Gln111His)

Genes: CDH23 (cadherin related 23; plus strand), CDH23-AS1 (CDH23 antisense RNA 1; minus strand). Cytogenetic location: 10q22.1.
Variant type: single nucleotide variant.
Coding change: c.333G>C on transcript NM_022124.6 (MANE Select); coding-DNA position 333, G replaced by C.
Protein change: p.Gln111His; replaces glutamine 111 with histidine.
Molecular consequence: missense variant.
Genome position (GRCh38, 1-based): chr10:71,510,998, G>C. VCF-style: chr10-71510998-G-C. GRCh37 (hg19) VCF-style: chr10-73270755-G-C.
Other names: c.333G>C, p.Gln111His (NM_001171930.2, NM_001171931.2, NM_001171932.2 and 1 more transcripts); short protein forms Q111H.
Identifiers: ClinVar variation 4692860 (VCV004692860.1).
Genomic context (GRCh38, chr10:71,510,998, plus strand): 5'-CTCACTTTTCTTTCAGACCAAGTCAGAGTTCACCGTGGAGTTCTCTGTCAGCGACCACCA[G>C]GGGGTGAGTGTTCCCTGGGGCCCTGGAGGCATGTTCCTGGGGTCACAGGATTTCTGGACC-3'
Protein context (NP_071407.4, residues 101-121): FTVEFSVSDH[Gln111His]GVITRKVNIQ